The following is an entry in ClinVar:

NM_052813.5(CARD9):c.479G>A (p.Arg160His)

Gene: CARD9 (caspase recruitment domain family member 9; minus strand). Cytogenetic location: 9q34.3.
Variant type: single nucleotide variant.
Coding change: c.479G>A on transcript NM_052813.5 (MANE Select); coding-DNA position 479, G replaced by A.
Protein change: p.Arg160His; replaces arginine 160 with histidine.
Molecular consequence: missense variant.
Genome position (GRCh38, 1-based): chr9:136,370,989, C>T on the plus strand (G>A on the coding strand, the complement: CARD9 is on the minus strand). VCF-style: chr9-136370989-C-T. GRCh37 (hg19) VCF-style: chr9-139265441-C-T.
Other names: c.479G>A, p.Arg160His (NM_052814.4); short protein forms R160H.
Identifiers: ClinVar variation 646086 (VCV000646086.9), dbSNP rs747925378, ClinGen allele CA5333124.

ClinVar aggregate classification (germline): Uncertain significance. Review status: criteria provided, multiple submitters, no conflicts (2 of 4 stars). 2 submissions from 2 submitters: Uncertain significance (2). Last evaluated 2022-09-01.

Conditions:
Predisposition to invasive fungal disease due to CARD9 deficiency (IMD103). Also called: Candidiasis, familial, 2, autosomal recessive; IMMUNODEFICIENCY 103, SUSCEPTIBILITY TO FUNGAL INFECTIONS; CARD9 IMMUNODEFICIENCY. Identifiers: Orphanet 457088, MedGen C1859353, MONDO:0008905, OMIM 212050.
Inborn genetic diseases. Identifiers: MedGen C0950123, MeSH D030342.

Allele frequency attached by ClinVar (database versions not stated): gnomAD 0.00003; ExAC 0.00004; TOPMed 0.00006.
gnomAD v4.1: 44 of 1,611,062 alleles (0.0027%); highest among the groups gnomAD compares: Admixed American, 0.018%; 1 homozygote.

Submissions (2):

Labcorp Genetics (formerly Invitae), Labcorp
Classification: Uncertain significance for Predisposition to invasive fungal disease due to CARD9 deficiency. Last evaluated: 2022-09-01. Review status: criteria provided, single submitter. Criteria: Invitae Variant Classification Sherloc (09022015). Collection method: clinical testing. Allele origin: germline.
Comment: This sequence change replaces arginine, which is basic and polar, with histidine, which is basic and polar, at codon 160 of the CARD9 protein (p.Arg160His). This variant is present in population databases (rs747925378, gnomAD 0.02%). This variant has not been reported in the literature in individuals affected with CARD9-related conditions. ClinVar contains an entry for this variant (Variation ID: 646086). Algorithms developed to predict the effect of missense changes on protein structure and function are either unavailable or do not agree on the potential impact of this missense change (SIFT: "Deleterious"; PolyPhen-2: "Benign"; Align-GVGD: "Class C25"). In summary, the available evidence is currently insufficient to determine the role of this variant in disease. Therefore, it has been classified as a Variant of Uncertain Significance.

Ambry Genetics
Classification: Uncertain significance for Inborn genetic diseases. Last evaluated: 2022-03-23. Review status: criteria provided, single submitter. Criteria: Ambry Variant Classification Scheme 2023. Collection method: clinical testing. Allele origin: germline.